The following is an entry in ClinVar:

ClinVar aggregate classification (germline): Likely pathogenic (0 of 4 stars; one submission).

Conditions:
MAP1B-related disorder. Also called: MAP1B-related condition.

Submission:

PreventionGenetics, part of Exact Sciences
Classification: Likely pathogenic for MAP1B-related condition. Last evaluated: 2024-08-29. Review status: no assertion criteria provided. Collection method: clinical testing. Allele origin: germline.
Comment: The MAP1B c.1456C>T variant is predicted to result in premature protein termination (p.Arg486*). This variant was reported in research exome projects, for example, an individual with Autism spectrum disorder (reported as B:5:72194811:C:T:hg38 in Suppl. Table 20, Fu et al 2022. PubMed ID: 35982160). This variant has not been reported in a large population database, indicating this variant is rare. Nonsense variants in MAP1B are expected to be pathogenic. This variant is interpreted as likely pathogenic.

NM_005909.5(MAP1B):c.1456C>T (p.Arg486Ter)

Gene: MAP1B (microtubule associated protein 1B; plus strand). Cytogenetic location: 5q13.2.
Variant type: single nucleotide variant.
Coding change: c.1456C>T on transcript NM_005909.5 (MANE Select); coding-DNA position 1456, C replaced by T.
Protein change: p.Arg486Ter; replaces arginine 486 with a stop codon.
Molecular consequence: nonsense.
Genome position (GRCh38, 1-based): chr5:72,194,811, C>T. VCF-style: chr5-72194811-C-T. GRCh37 (hg19) VCF-style: chr5-71490638-C-T.
Other names: c.1078C>T, p.Arg360Ter (NM_001324255.2); short protein forms R360*, R486*.
Identifiers: ClinVar variation 3346743 (VCV003346743.1).